The following is an entry in ClinVar:

NM_005188.4(CBL):c.2266G>T (p.Ala756Ser)

Gene: CBL (Cbl proto-oncogene; plus strand). Cytogenetic location: 11q23.3.
Variant type: single nucleotide variant.
Coding change: c.2266G>T on transcript NM_005188.4 (MANE Select); coding-DNA position 2266, G replaced by T.
Protein change: p.Ala756Ser; replaces alanine 756 with serine.
Molecular consequence: missense variant.
Genome position (GRCh38, 1-based): chr11:119,298,372, G>T. VCF-style: chr11-119298372-G-T. GRCh37 (hg19) VCF-style: chr11-119169082-G-T.
Other names: c.2266G>T (NM_005188.2); short protein forms A756S.
Identifiers: ClinVar variation 2847736 (VCV002847736.4), dbSNP rs2496973530, ClinGen allele CA382928977.
Genomic context (GRCh38, chr11:119,298,372, plus strand): 5'-AGATGAAGTGCGTCAGAAGAAGATAACATCACTCATTTTTCTCCAGGTGAAGGGAATTTG[G>T]CCGCAGCCCATGCCAACACTGGTCCCGAGGAGTCAGAAAATGAGGATGATGGGTATGATG-3'
Protein context (NP_005179.2, residues 746-766): ESSTFGEGNL[Ala756Ser]AAHANTGPEE

ClinVar aggregate classification (germline): Uncertain significance. Review status: criteria provided, multiple submitters, no conflicts (2 of 4 stars). 2 submissions from 2 submitters: Uncertain significance (2). Last evaluated 2025-08-08.

Conditions:
Cardiovascular phenotype. Identifiers: MedGen CN230736.
RASopathy. Also called: Noonan spectrum disorder; rasopathies. Identifiers: Orphanet 536391, MedGen C5555857, MONDO:0021060.

Submissions (2):

Ambry Genetics
Classification: Uncertain significance for Cardiovascular phenotype. Last evaluated: 2025-08-08. Review status: criteria provided, single submitter. Criteria: Ambry Variant Classification Scheme 2023. Collection method: clinical testing. Allele origin: germline.
Comment: The p.A756S variant (also known as c.2266G>T), located in coding exon 15 of the CBL gene, results from a G to T substitution at nucleotide position 2266. The alanine at codon 756 is replaced by serine, an amino acid with similar properties. This amino acid position is conserved. In addition, this alteration is predicted to be tolerated by in silico analysis. Based on the available evidence, the clinical significance of this variant remains unclear.

Labcorp Genetics (formerly Invitae), Labcorp
Classification: Uncertain significance for RASopathy. Last evaluated: 2023-03-20. Review status: criteria provided, single submitter. Criteria: Invitae Variant Classification Sherloc (09022015). Collection method: clinical testing. Allele origin: germline.
Comment: In summary, the available evidence is currently insufficient to determine the role of this variant in disease. Therefore, it has been classified as a Variant of Uncertain Significance. This sequence change replaces alanine, which is neutral and non-polar, with serine, which is neutral and polar, at codon 756 of the CBL protein (p.Ala756Ser). This variant is not present in population databases (gnomAD no frequency). This variant has not been reported in the literature in individuals affected with CBL-related conditions. Advanced modeling of protein sequence and biophysical properties (such as structural, functional, and spatial information, amino acid conservation, physicochemical variation, residue mobility, and thermodynamic stability) performed at Invitae indicates that this missense variant is not expected to disrupt CBL protein function.